The following is an entry in ClinVar:

NM_144670.6(A2ML1):c.3612_3613delinsTATGCA (p.Gln1204fs)

Gene: A2ML1 (alpha-2-macroglobulin like 1; plus strand). Cytogenetic location: 12p13.31.
Variant type: Indel.
Coding change: c.3612_3613delinsTATGCA on transcript NM_144670.6 (MANE Select); coding-DNA positions 3612 to 3613, GC replaced by TATGCA.
Protein change: p.Gln1204fs; shifts the reading frame from glutamine 1204.
Molecular consequence: frameshift variant.
Genome position (GRCh38, 1-based): chr12:8,863,903-8,863,904, GC replaced by TATGCA. VCF-style: chr12-8863903-GC-TATGCA. GRCh37 (hg19) VCF-style: chr12-9016499-GC-TATGCA.
Other names: c.2139_2140delinsTATGCA, p.Gln713fs (NM_001282424.3); short protein forms Q1204fs, Q713fs.
Identifiers: ClinVar variation 561956 (VCV000561956.1), dbSNP rs1565489901, ClinGen allele CA658823365.
Genomic context (GRCh38, chr12:8,863,903, plus strand): 5'-CCCTTGGTCTGAGCCTGCGGCTGTAGATGTGGAACTCACAGCATATGCATTGTTGGCCCA[GC>TATGCA]TTACCAAGCCCAGCCTGACTCAAAAGGAGATAGCGAAGGCCACTAGCATAGTGGCTTGGT-3'

ClinVar aggregate classification (germline): Uncertain significance (1 of 4 stars; one submission).

Submission:

GeneDx
Classification: Uncertain significance. Last evaluated: 2018-07-25. Review status: criteria provided, single submitter. Criteria: GeneDx Variant Classification (06012015). Collection method: clinical testing. Allele origin: germline. Affected: yes.
Comment: The c.3612_3613delGCinsTATGCA variant in the A2ML1 gene has not been reported previously as a pathogenic variant nor as a benign variant, to our knowledge. This variant causes a frameshift starting with codon Glutamine 1204, changes this amino acid to a Histidine residue, and creates a premature Stop codon at position 18 of the new reading frame, denoted p.Gln1204HisfsX18. This variant is predicted to cause loss of normal protein function either through protein truncation or nonsense-mediated mRNA decay. The c.3612_3613delGCinsTATGCA variant is not observed in large population cohorts (Lek et al., 2016). We interpret c.3612_3613delGCinsTATGCA as a variant of uncertain significance.